The following is an entry in ClinVar:

NM_001009944.3(PKD1):c.1322G>T (p.Gly441Val)

Gene: PKD1 (polycystin 1, transient receptor potential channel interacting; minus strand). Cytogenetic location: 16p13.3.
Variant type: single nucleotide variant.
Coding change: c.1322G>T on transcript NM_001009944.3 (MANE Select); coding-DNA position 1322, G replaced by T.
Protein change: p.Gly441Val; replaces glycine 441 with valine.
Molecular consequence: missense variant.
Genome position (GRCh38, 1-based): chr16:2,117,552, C>A on the plus strand (G>T on the coding strand, the complement: PKD1 is on the minus strand). VCF-style: chr16-2117552-C-A. GRCh37 (hg19) VCF-style: chr16-2167553-C-A.
Other names: c.1322G>T, p.Gly441Val (NM_000296.4); short protein forms G441V.
Identifiers: ClinVar variation 4993489 (VCV004993489.1).

ClinVar aggregate classification (germline): Uncertain significance (1 of 4 stars; one submission).

Conditions:
PKD1-related disorder. Also called: PKD1-related condition.

Submission:

PreventionGenetics, part of Exact Sciences
Classification: Uncertain significance for PKD1-related condition. Last evaluated: 2025-09-23. Review status: criteria provided, single submitter. Criteria: ACMG Guidelines, 2015. Collection method: clinical testing. Allele origin: germline.
Comment: The PKD1 c.1322G>T variant is predicted to result in the amino acid substitution p.Gly441Val. To our knowledge, this variant has not been reported in the literature or in a large population database (gnomAD), indicating this variant is rare. At this time, the clinical significance of this variant is uncertain due to the absence of conclusive functional and genetic evidence.